The following is an entry in ClinVar:

ClinVar aggregate classification (germline): Uncertain significance. Review status: criteria provided, multiple submitters, no conflicts (2 of 4 stars). 2 submissions from 2 submitters: Uncertain significance (2). Last evaluated 2025-03-26.

Conditions:
Inborn genetic diseases. Identifiers: MedGen C0950123, MeSH D030342.
Peroxisome biogenesis disorder, complementation group K (CGK). Identifiers: MedGen C1866257, MONDO:0800365.

Allele frequency attached by ClinVar (database versions not stated): gnomAD 0.00001; gnomAD exomes 0.00001 and below 0.00001; TOPMed 0.00003.

Submissions (2):

Ambry Genetics
Classification: Uncertain significance for Inborn genetic diseases. Last evaluated: 2025-03-26. Review status: criteria provided, single submitter. Criteria: Ambry Variant Classification Scheme 2023. Collection method: clinical testing. Allele origin: germline.

Labcorp Genetics (formerly Invitae), Labcorp
Classification: Uncertain significance for Peroxisome biogenesis disorder, complementation group K. Last evaluated: 2022-07-19. Review status: criteria provided, single submitter. Criteria: Invitae Variant Classification Sherloc (09022015). Collection method: clinical testing. Allele origin: germline.
Comment: This sequence change replaces alanine, which is neutral and non-polar, with threonine, which is neutral and polar, at codon 171 of the PEX14 protein (p.Ala171Thr). This variant is present in population databases (no rsID available, gnomAD 0.006%). This variant has not been reported in the literature in individuals affected with PEX14-related conditions. ClinVar contains an entry for this variant (Variation ID: 1435290). Algorithms developed to predict the effect of missense changes on protein structure and function (SIFT, PolyPhen-2, Align-GVGD) all suggest that this variant is likely to be tolerated. In summary, the available evidence is currently insufficient to determine the role of this variant in disease. Therefore, it has been classified as a Variant of Uncertain Significance.

NM_004565.3(PEX14):c.511G>A (p.Ala171Thr)

Genes: PEX14 (peroxisomal biogenesis factor 14; plus strand), LOC126805616 (CDK7 strongly-dependent group 2 enhancer GRCh37_chr1:10683990-10685189; plus strand). Cytogenetic location: 1p36.22.
Variant type: single nucleotide variant.
Coding change: c.511G>A on transcript NM_004565.3 (MANE Select); coding-DNA position 511, G replaced by A.
Protein change: p.Ala171Thr; replaces alanine 171 with threonine.
Molecular consequence: missense variant.
Genome position (GRCh38, 1-based): chr1:10,624,363, G>A. VCF-style: chr1-10624363-G-A. GRCh37 (hg19) VCF-style: chr1-10684420-G-A.
Other names: c.511G>A (NM_004565.2); short protein forms A171T.
Identifiers: ClinVar variation 1435290 (VCV001435290.6), dbSNP rs1330745700, ClinGen allele CA338333856.